The following is an entry in ClinVar:

NM_004991.4(MECOM):c.2383C>T (p.His795Tyr)

Gene: MECOM (MDS1 and EVI1 complex locus; minus strand). Cytogenetic location: 3q26.2.
Variant type: single nucleotide variant.
Coding change: c.2383C>T on transcript NM_004991.4 (MANE Select); coding-DNA position 2383, C replaced by T.
Protein change: p.His795Tyr; replaces histidine 795 with tyrosine.
Molecular consequence: missense variant.
Genome position (GRCh38, 1-based): chr3:169,115,489, G>A on the plus strand (C>T on the coding strand, the complement: MECOM is on the minus strand). VCF-style: chr3-169115489-G-A. GRCh37 (hg19) VCF-style: chr3-168833277-G-A.
Other names: c.2014C>T, p.His672Tyr (NM_001105077.4); c.1819C>T, p.His607Tyr (NM_001105078.4, NM_001164000.2, NM_001205194.2 and 4 more transcripts); c.1822C>T, p.His608Tyr (NM_001163999.2, NM_001366467.2, NM_001366468.2 and 1 more transcripts); c.2383C>T, p.His795Tyr (NM_001366466.2); c.1411C>T, p.His471Tyr (NM_001366473.2); c.847C>T, p.His283Tyr (NM_001366474.2); short protein forms H672Y, H471Y, H608Y, H283Y, H607Y, H795Y.
Identifiers: ClinVar variation 2250880 (VCV002250880.3), dbSNP rs897937401, ClinGen allele CA87592045.

ClinVar aggregate classification (germline): Uncertain significance (1 of 4 stars; one submission).

Conditions:
Inborn genetic diseases. Identifiers: MedGen C0950123, MeSH D030342.

Allele frequency attached by ClinVar (database versions not stated): gnomAD exomes below 0.00001; gnomAD 0.00001; TOPMed 0.00001.
gnomAD v4.1: 5 of 1,614,000 alleles (0.00031%); highest among the groups gnomAD compares: African/African-American, 0.0027%; no homozygotes.

Submission:

Ambry Genetics
Classification: Uncertain significance for Inborn genetic diseases. Last evaluated: 2025-02-08. Review status: criteria provided, single submitter. Criteria: Ambry Variant Classification Scheme 2023. Collection method: clinical testing. Allele origin: germline.
Comment: The p.H795Y variant (also known as c.2383C>T), located in coding exon 8 of the MECOM gene, results from a C to T substitution at nucleotide position 2383. The histidine at codon 795 is replaced by tyrosine, an amino acid with similar properties. This amino acid position is conserved. In addition, the in silico prediction for this alteration is inconclusive. Based on the available evidence, the clinical significance of this variant remains unclear.